The following is an entry in ClinVar:

ClinVar aggregate classification (germline): Uncertain significance (1 of 4 stars; one submission).

Conditions:
Intellectual developmental disorder, autosomal dominant 6, with or without seizures. Also called: GRIN2B-related developmental delay, intellectual disability and autism spectrum disorder; Intellectual disability, autosomal dominant 6. Identifiers: Orphanet 589547, MedGen C3151411, MONDO:0013509, OMIM 613970.
Developmental and epileptic encephalopathy, 27 (DEE27). Also called: Epileptic encephalopathy, early infantile, 27; GRIN2B-Related Neurodevelopmental Disorder. Identifiers: Orphanet 3451, MedGen C4015316, MONDO:0014505, OMIM 616139.

Submission:

Labcorp Genetics (formerly Invitae), Labcorp
Classification: Uncertain significance for Developmental and epileptic encephalopathy, 27; Intellectual developmental disorder, autosomal dominant 6, with or without seizures. Last evaluated: 2023-08-07. Review status: criteria provided, single submitter. Criteria: Invitae Variant Classification Sherloc (09022015). Collection method: clinical testing. Allele origin: germline.
Comment: This sequence change replaces serine, which is neutral and polar, with proline, which is neutral and non-polar, at codon 1468 of the GRIN2B protein (p.Ser1468Pro). This variant is not present in population databases (gnomAD no frequency). This variant has not been reported in the literature in individuals affected with GRIN2B-related conditions. Advanced modeling of protein sequence and biophysical properties (such as structural, functional, and spatial information, amino acid conservation, physicochemical variation, residue mobility, and thermodynamic stability) performed at Invitae indicates that this missense variant is not expected to disrupt GRIN2B protein function. In summary, the available evidence is currently insufficient to determine the role of this variant in disease. Therefore, it has been classified as a Variant of Uncertain Significance.

NM_000834.5(GRIN2B):c.4402T>C (p.Ser1468Pro)

Gene: GRIN2B (glutamate ionotropic receptor NMDA type subunit 2B; minus strand). Cytogenetic location: 12p13.1.
Variant type: single nucleotide variant.
Coding change: c.4402T>C on transcript NM_000834.5 (MANE Select); coding-DNA position 4402, T replaced by C.
Protein change: p.Ser1468Pro; replaces serine 1468 with proline.
Molecular consequence: missense variant.
Genome position (GRCh38, 1-based): chr12:13,562,836, A>G on the plus strand (T>C on the coding strand, the complement: GRIN2B is on the minus strand). VCF-style: chr12-13562836-A-G. GRCh37 (hg19) VCF-style: chr12-13715770-A-G.
Other names: c.4402T>C, p.Ser1468Pro (NM_001413992.1); short protein forms S1468P.
Identifiers: ClinVar variation 2928981 (VCV002928981.3), dbSNP rs2497464303, ClinGen allele CA383985041.